The following is an entry in ClinVar:

ClinVar aggregate classification (germline): Uncertain significance (1 of 4 stars; one submission).

Conditions:
Pitt-Hopkins-like syndrome 2 (PTHSL2). Identifiers: Orphanet 221150, Orphanet 600663, MedGen C3280479, MONDO:0013690, OMIM 614325.

gnomAD v4.1: 1 of 1,614,126 alleles (0.000062%); highest among the groups gnomAD compares: Admixed American, 0.0017%; no homozygotes.

Submission:

Labcorp Genetics (formerly Invitae), Labcorp
Classification: Uncertain significance for Pitt-Hopkins-like syndrome 2. Last evaluated: 2022-01-11. Review status: criteria provided, single submitter. Criteria: Invitae Variant Classification Sherloc (09022015). Collection method: clinical testing. Allele origin: germline.
Comment: This sequence change replaces arginine, which is basic and polar, with leucine, which is neutral and non-polar, at codon 1465 of the NRXN1 protein (p.Arg1465Leu). This variant is present in population databases (no rsID available, gnomAD 0.003%). This variant has not been reported in the literature in individuals affected with NRXN1-related conditions. Algorithms developed to predict the effect of missense changes on protein structure and function are either unavailable or do not agree on the potential impact of this missense change (SIFT: "Tolerated"; PolyPhen-2: "Possibly Damaging"; Align-GVGD: "Class C15"). In summary, the available evidence is currently insufficient to determine the role of this variant in disease. Therefore, it has been classified as a Variant of Uncertain Significance.

NM_001330078.2(NRXN1):c.4274G>T (p.Arg1425Leu)

Gene: NRXN1 (neurexin 1; minus strand). Cytogenetic location: 2p16.3.
Variant type: single nucleotide variant.
Coding change: c.4274G>T on transcript NM_001330078.2 (MANE Select); coding-DNA position 4274, G replaced by T.
Protein change: p.Arg1425Leu; replaces arginine 1425 with leucine.
Molecular consequence: missense variant.
Genome position (GRCh38, 1-based): chr2:49,922,194, C>A on the plus strand (G>T on the coding strand, the complement: NRXN1 is on the minus strand). VCF-style: chr2-49922194-C-A. GRCh37 (hg19) VCF-style: chr2-50149332-C-A.
Other names: c.4073G>T, p.Arg1358Leu (NM_001330087.2); c.4094G>T, p.Arg1365Leu (NM_001330088.2); c.1160G>T, p.Arg387Leu (NM_001330091.2); c.1169G>T, p.Arg390Leu (NM_001330092.2); c.4271G>T, p.Arg1424Leu (NM_001330093.2); c.4253G>T, p.Arg1418Leu (NM_001330094.2); c.4133G>T, p.Arg1378Leu (NM_001330095.2); c.4064G>T, p.Arg1355Leu (NM_001330096.2); and 12 more; short protein forms R1378L, R1418L, R360L, R60L, R1358L, R1365L, R1417L, R1422L.
Identifiers: ClinVar variation 2078972 (VCV002078972.4), dbSNP rs201559515, ClinGen allele CA346818709.